The following is an entry in ClinVar:

NM_015973.5(GAL):c.7C>T (p.Arg3Ter)

Gene: GAL (galanin and GMAP prepropeptide; plus strand). Cytogenetic location: 11q13.2.
Variant type: single nucleotide variant.
Coding change: c.7C>T on transcript NM_015973.5 (MANE Select); coding-DNA position 7, C replaced by T.
Protein change: p.Arg3Ter; replaces arginine 3 with a stop codon.
Molecular consequence: nonsense.
Genome position (GRCh38, 1-based): chr11:68,684,930, C>T. VCF-style: chr11-68684930-C-T. GRCh37 (hg19) VCF-style: chr11-68452398-C-T.
Other names: short protein forms R3*.
Identifiers: ClinVar variation 1037453 (VCV001037453.6), dbSNP rs578193461, ClinGen allele CA6151393.

ClinVar aggregate classification (germline): Uncertain significance (1 of 4 stars; one submission).

Conditions:
Familial temporal lobe epilepsy 8. Identifiers: Orphanet 101046, MedGen C4225318, MONDO:0014650, OMIM 616461.

Allele frequency attached by ClinVar (database versions not stated): TOPMed 0.00001.
gnomAD v4.1: 31 of 1,605,596 alleles (0.0019%); highest among the groups gnomAD compares: Non-Finnish European, 0.00034%; no homozygotes.

Submission:

Labcorp Genetics (formerly Invitae), Labcorp
Classification: Uncertain significance for Familial temporal lobe epilepsy 8. Last evaluated: 2018-10-29. Review status: criteria provided, single submitter. Criteria: Invitae Variant Classification Sherloc (09022015). Collection method: clinical testing. Allele origin: germline.
Comment: This sequence change creates a premature translational stop signal (p.Arg3*) in the GAL gene. It is expected to result in an absent or disrupted protein product. This variant is present in population databases (rs578193461, ExAC 0.009%). This variant has not been reported in the literature in individuals with GAL-related disease. The current clinical and genetic evidence is not sufficient to establish whether loss-of-function variants in GAL cause disease. In summary, the available evidence is currently insufficient to determine the role of this variant in disease. Therefore, it has been classified as a Variant of Uncertain Significance.